The following is an entry in ClinVar:

ClinVar aggregate classification (germline): Conflicting classifications of pathogenicity. Review status: criteria provided, conflicting classifications (1 of 4 stars). 2 submissions from 2 submitters: Uncertain significance (1); Likely benign (1). Last evaluated 2026-08-12.

Conditions:
Hereditary nonpolyposis colorectal neoplasms. Identifiers: MedGen C0009405, MeSH D003123.
Hereditary cancer-predisposing syndrome. Also called: Neoplastic Syndromes, Hereditary; Hereditary Cancer Syndrome; Tumor predisposition; Hereditary neoplastic syndrome. Identifiers: Orphanet 140162, MedGen C0027672, MeSH D009386, MONDO:0015356.

Submissions (2):

Ambry Genetics
Classification: Likely benign for Hereditary cancer-predisposing syndrome. Last evaluated: 2026-08-12. Review status: criteria provided, single submitter. Criteria: Ambry Variant Classification Scheme 2023. Collection method: clinical testing. Allele origin: germline.

Labcorp Genetics (formerly Invitae), Labcorp
Classification: Uncertain significance for Hereditary nonpolyposis colorectal neoplasms. Last evaluated: 2019-09-01. Review status: criteria provided, single submitter. Criteria: Invitae Variant Classification Sherloc (09022015). Collection method: clinical testing. Allele origin: germline.
Comment: In summary, the available evidence is currently insufficient to determine the role of this variant in disease. Therefore, it has been classified as a Variant of Uncertain Significance. Algorithms developed to predict the effect of missense changes on protein structure and function output the following: SIFT: "Tolerated"; PolyPhen-2: "Benign"; Align-GVGD: "Class C0". The serine amino acid residue is found in multiple mammalian species, suggesting that this missense change does not adversely affect protein function. These predictions have not been confirmed by published functional studies and their clinical significance is uncertain. This variant has not been reported in the literature in individuals with MSH6-related conditions. This variant is not present in population databases (ExAC no frequency). This sequence change replaces asparagine with serine at codon 184 of the MSH6 protein (p.Asn184Ser). The asparagine residue is weakly conserved and there is a small physicochemical difference between asparagine and serine.

NM_000179.3(MSH6):c.551A>G (p.Asn184Ser)

Gene: MSH6 (mutS homolog 6; plus strand). Cytogenetic location: 2p16.3.
Variant type: single nucleotide variant.
Coding change: c.551A>G on transcript NM_000179.3 (MANE Select); coding-DNA position 551, A replaced by G.
Protein change: p.Asn184Ser; replaces asparagine 184 with serine.
Molecular consequence: missense variant. On other transcripts: 5 prime UTR variant (1), intron variant (2).
Genome position (GRCh38, 1-based): chr2:47,795,987, A>G. VCF-style: chr2-47795987-A-G. GRCh37 (hg19) VCF-style: chr2-48023126-A-G.
Other names: c.-352A>G (NM_001281494.2); c.-279-2624A>G (NM_001281493.2); c.238-2624A>G (NM_001281492.2); short protein forms N184S.
Identifiers: ClinVar variation 934539 (VCV000934539.13), dbSNP rs1669062226, ClinGen allele CA346738747.
Genomic context (GRCh38, chr2:47,795,987, plus strand): 5'-ATTTTTACAGTGCAAAGCCTGAAATACTGAGAGCAATGCAACGTGCAGATGAAGCCTTAA[A>G]TAAAGACAAGATTAAGAGGCTTGAATTGGCAGTTTGTGATGAGCCCTCAGAGCCAGAAGA-3'
Protein context (NP_000170.1, residues 174-194): RAMQRADEAL[Asn184Ser]KDKIKRLELA